The following is an entry in ClinVar:

ClinVar aggregate classification (germline): Likely pathogenic (1 of 4 stars; one submission).

Submission:

GeneDx
Classification: Likely pathogenic. Last evaluated: 2026-02-17. Review status: criteria provided, single submitter. Criteria: GeneDx Variant Classification Process June 2021. Collection method: clinical testing. Allele origin: germline.
Comment: Not observed at significant frequency in large population cohorts (gnomAD); Has not been previously published as pathogenic or benign to our knowledge; Canonical splice site variant predicted to result in an in-frame loss of the adjacent exon in a gene for which loss of function is a known mechanism of disease

NM_007289.4(MME):c.855+1G>A

Gene: MME (membrane metalloendopeptidase; plus strand). Cytogenetic location: 3q25.2.
Variant type: single nucleotide variant.
Coding change: c.855+1G>A on transcript NM_007289.4 (MANE Select); the canonical splice donor site of the intron after coding-DNA position 855, G replaced by A.
Molecular consequence: splice donor variant.
Genome position (GRCh38, 1-based): chr3:155,138,237, G>A. VCF-style: chr3-155138237-G-A. GRCh37 (hg19) VCF-style: chr3-154856026-G-A.
Other names: c.855+1G>A (NM_001354642.2, NM_000902.5, NM_007287.4 and 2 more transcripts).
Identifiers: ClinVar variation 4888123 (VCV004888123.1).
Genomic context (GRCh38, chr3:155,138,237, plus strand): 5'-GAAAACCAGCTTGCTTTGGAAATGAATAAAGTTATGGAATTGGAAAAAGAAATTGCCAAT[G>A]TAAAACACATTTTTTTTTCTGATACACTGAATAATGTCAACCGCTTTTTTTCTTTCCCCT-3'